The following is an entry in ClinVar:

NM_014727.3(KMT2B):c.7832C>T (p.Ser2611Leu)

Gene: KMT2B (lysine methyltransferase 2B; plus strand). Cytogenetic location: 19q13.12.
Variant type: single nucleotide variant.
Coding change: c.7832C>T on transcript NM_014727.3 (MANE Select); coding-DNA position 7832, C replaced by T.
Protein change: p.Ser2611Leu; replaces serine 2611 with leucine.
Molecular consequence: missense variant.
Genome position (GRCh38, 1-based): chr19:35,738,151, C>T. VCF-style: chr19-35738151-C-T. GRCh37 (hg19) VCF-style: chr19-36229052-C-T.
Other names: short protein forms S2611L.
Identifiers: ClinVar variation 1445757 (VCV001445757.6), dbSNP rs2146482516, ClinGen allele CA405439407.

ClinVar aggregate classification (germline): Uncertain significance (1 of 4 stars; one submission).

Allele frequency attached by ClinVar (database versions not stated): gnomAD exomes below 0.00001.

Submission:

Labcorp Genetics (formerly Invitae), Labcorp
Classification: Uncertain significance. Last evaluated: 2021-11-05. Review status: criteria provided, single submitter. Criteria: Invitae Variant Classification Sherloc (09022015). Collection method: clinical testing. Allele origin: germline.
Comment: This sequence change replaces serine, which is neutral and polar, with leucine, which is neutral and non-polar, at codon 2611 of the KMT2B protein (p.Ser2611Leu). This variant is not present in population databases (gnomAD no frequency). This variant has not been reported in the literature in individuals affected with KMT2B-related conditions. Algorithms developed to predict the effect of missense changes on protein structure and function are either unavailable or do not agree on the potential impact of this missense change (SIFT: "Deleterious"; PolyPhen-2: "Not Available"; Align-GVGD: "Class C15"). In summary, the available evidence is currently insufficient to determine the role of this variant in disease. Therefore, it has been classified as a Variant of Uncertain Significance.